The following is an entry in ClinVar:

NM_002439.5(MSH3):c.1654A>G (p.Thr552Ala)

Gene: MSH3 (mutS homolog 3; plus strand). Cytogenetic location: 5q14.1.
Variant type: single nucleotide variant.
Coding change: c.1654A>G on transcript NM_002439.5 (MANE Select); coding-DNA position 1654, A replaced by G.
Protein change: p.Thr552Ala; replaces threonine 552 with alanine.
Molecular consequence: missense variant.
Genome position (GRCh38, 1-based): chr5:80,744,506, A>G. VCF-style: chr5-80744506-A-G. GRCh37 (hg19) VCF-style: chr5-80040325-A-G.
Other names: short protein forms T552A.
Identifiers: ClinVar variation 1000529 (VCV001000529.8), dbSNP rs1743678578, ClinGen allele CA360274617.

ClinVar aggregate classification (germline): Uncertain significance (1 of 4 stars; one submission).

Allele frequency attached by ClinVar (database versions not stated): gnomAD exomes below 0.00001.
gnomAD v4.1: 2 of 1,609,000 alleles (0.00012%); highest among the groups gnomAD compares: South Asian, 0.0011%; no homozygotes.

Submission:

Labcorp Genetics (formerly Invitae), Labcorp
Classification: Uncertain significance. Last evaluated: 2024-09-16. Review status: criteria provided, single submitter. Criteria: Invitae Variant Classification Sherloc (09022015). Collection method: clinical testing. Allele origin: germline.
Comment: This sequence change replaces threonine, which is neutral and polar, with alanine, which is neutral and non-polar, at codon 552 of the MSH3 protein (p.Thr552Ala). This variant is not present in population databases (gnomAD no frequency). This variant has not been reported in the literature in individuals affected with MSH3-related conditions. ClinVar contains an entry for this variant (Variation ID: 1000529). An algorithm developed to predict the effect of missense changes on protein structure and function (PolyPhen-2) suggests that this variant is likely to be tolerated. In summary, the available evidence is currently insufficient to determine the role of this variant in disease. Therefore, it has been classified as a Variant of Uncertain Significance.